The following is an entry in ClinVar:

ClinVar aggregate classification (germline): Uncertain significance. Review status: criteria provided, multiple submitters, no conflicts (2 of 4 stars). 2 submissions from 2 submitters: Uncertain significance (2). Last evaluated 2025-09-20.

Conditions:
Inborn genetic diseases. Identifiers: MedGen C0950123, MeSH D030342.

Allele frequency attached by ClinVar (database versions not stated): TOPMed 0.00013; gnomAD 0.00015; gnomAD exomes 0.00019; 1000 Genomes Project 0.00020; ExAC 0.00023; ESP Exome Variant Server 0.00031.
gnomAD v4.1: 313 of 1,613,122 alleles (0.019%); highest among the groups gnomAD compares: Non-Finnish European, 0.022%; no homozygotes.

Submissions (2):

Labcorp Genetics (formerly Invitae), Labcorp
Classification: Uncertain significance. Last evaluated: 2025-09-20. Review status: criteria provided, single submitter. Criteria: Invitae Variant Classification Sherloc (09022015). Collection method: clinical testing. Allele origin: germline.
Comment: This sequence change replaces lysine, which is basic and polar, with glutamic acid, which is acidic and polar, at codon 347 of the FNIP1 protein (p.Lys347Glu). This variant is present in population databases (rs200977987, gnomAD 0.03%). This variant has not been reported in the literature in individuals affected with FNIP1-related conditions. ClinVar contains an entry for this variant (Variation ID: 2071887). An algorithm developed to predict the effect of missense changes on protein structure and function (PolyPhen-2) suggests that this variant is likely to be tolerated. In summary, the available evidence is currently insufficient to determine the role of this variant in disease. Therefore, it has been classified as a Variant of Uncertain Significance.

Ambry Genetics
Classification: Uncertain significance for Inborn genetic diseases. Last evaluated: 2025-05-28. Review status: criteria provided, single submitter. Criteria: Ambry Variant Classification Scheme 2023. Collection method: clinical testing. Allele origin: germline.

NM_133372.3(FNIP1):c.1039A>G (p.Lys347Glu)

Gene: FNIP1 (folliculin interacting protein 1; minus strand). Cytogenetic location: 5q31.1.
Variant type: single nucleotide variant.
Coding change: c.1039A>G on transcript NM_133372.3 (MANE Select); coding-DNA position 1039, A replaced by G.
Protein change: p.Lys347Glu; replaces lysine 347 with glutamic acid.
Molecular consequence: missense variant.
Genome position (GRCh38, 1-based): chr5:131,704,142, T>C on the plus strand (A>G on the coding strand, the complement: FNIP1 is on the minus strand). VCF-style: chr5-131704142-T-C. GRCh37 (hg19) VCF-style: chr5-131039835-T-C.
Other names: c.955A>G, p.Lys319Glu (NM_001008738.3); c.1039A>G, p.Lys347Glu (NM_001346113.2); c.904A>G, p.Lys302Glu (NM_001346114.2); c.1039A>G (NM_133372.2); short protein forms K302E, K347E, K319E.
Identifiers: ClinVar variation 2071887 (VCV002071887.6), dbSNP rs200977987, ClinGen allele CA3400759.